The following is an entry in ClinVar:

ClinVar aggregate classification (germline): Pathogenic (1 of 4 stars; one submission).

Conditions:
Curry-Hall syndrome (WAD). Also called: WEYERS ACRODENTAL DYSOSTOSIS. Identifiers: Orphanet 952, MedGen C0457013, MONDO:0008673, OMIM 193530.
Ellis-van Creveld syndrome (EVC). Also called: Chondroectodermal dysplasia; MESOECTODERMAL DYSPLASIA; EVC-Related Ellis-van Creveld Syndrome; EVC2-Related Ellis-van Creveld Syndrome. Identifiers: Orphanet 289, MedGen C0013903, MONDO:0009162, OMIM 225500.

Submission:

Labcorp Genetics (formerly Invitae), Labcorp
Classification: Pathogenic for Curry-Hall syndrome; Ellis-van Creveld syndrome. Last evaluated: 2020-06-03. Review status: criteria provided, single submitter. Criteria: Invitae Variant Classification Sherloc (09022015). Collection method: clinical testing. Allele origin: germline.
Comment: This sequence change creates a premature translational stop signal (p.Ser496Alafs*16) in the EVC2 gene. It is expected to result in an absent or disrupted protein product. This variant is not present in population databases (ExAC no frequency). This variant has not been reported in the literature in individuals with EVC2-related conditions. Loss-of-function variants in EVC2 are known to be pathogenic (PMID: 17024374, 19810119, 19876929). For these reasons, this variant has been classified as Pathogenic.

Literature cited by the submitters: PubMed 17024374; PubMed 19810119; PubMed 19876929.

NM_147127.5(EVC2):c.1483_1484dup (p.Ser496fs)

Gene: EVC2 (EvC ciliary complex subunit 2; minus strand). Cytogenetic location: 4p16.2.
Variant type: Duplication.
Coding change: c.1483_1484dup on transcript NM_147127.5 (MANE Select); coding-DNA positions 1483 to 1484, 2 bases duplicated (TG; older notation c.1483_1484dupTG).
Protein change: p.Ser496fs; shifts the reading frame from serine 496.
Molecular consequence: frameshift variant.
Genome position (GRCh38, 1-based): chr4:5,632,019-5,632,020, CA duplicated on the plus strand (TG on the coding strand, the reverse complement: EVC2 is on the minus strand); duplicating any 2 consecutive bases within chr4:5,632,019-5,632,021 gives the same sequence; the c. name uses the placement nearest the transcript's 3' end. VCF-style (leftmost placement, unchanged base first): chr4-5632018-G-GCA. GRCh37 (hg19) VCF-style: chr4-5633745-G-GCA.
Other names: c.1243_1244dup, p.Ser416fs (NM_001166136.2); short protein forms S416fs, S496fs.
Identifiers: ClinVar variation 1074626 (VCV001074626.8), dbSNP rs2108851802, ClinGen allele CA2499217297.